The following is an entry in ClinVar:

NM_001164508.2(NEB):c.10420T>C (p.Leu3474=)

Gene: NEB (nebulin; minus strand). Cytogenetic location: 2q23.3.
Variant type: single nucleotide variant.
Coding change: c.10420T>C on transcript NM_001164508.2 (MANE Select); coding-DNA position 10420, T replaced by C.
Protein change: p.Leu3474=; no amino-acid change (leucine 3474 retained).
Molecular consequence: synonymous variant.
Genome position (GRCh38, 1-based): chr2:151,625,566, A>G on the plus strand (T>C on the coding strand, the complement: NEB is on the minus strand). VCF-style: chr2-151625566-A-G. GRCh37 (hg19) VCF-style: chr2-152482080-A-G.
Other names: c.10420T>C, p.Leu3474= (NM_001164507.2, NM_001271208.2); c.9691T>C, p.Leu3231= (NM_004543.5).
Identifiers: ClinVar variation 389438 (VCV000389438.8), dbSNP rs1057523427, ClinGen allele CA16603857.

ClinVar aggregate classification (germline): Likely benign. Review status: criteria provided, multiple submitters, no conflicts (2 of 4 stars). 2 submissions from 2 submitters: Likely benign (2). Last evaluated 2024-01-18.

Conditions:
Nemaline myopathy 2 (NEM2). Also called: Nemaline myopathy 2, autosomal recessive. Identifiers: MedGen C1850569, MONDO:0009725, OMIM 256030.

Allele frequency attached by ClinVar (database versions not stated): gnomAD exomes 0.00001; TOPMed 0.00001.
gnomAD v4.1: 3 of 1,605,578 alleles (0.00019%); highest among the groups gnomAD compares: Admixed American, 0.005%; no homozygotes.

Submissions (2):

Labcorp Genetics (formerly Invitae), Labcorp
Classification: Likely benign for Nemaline myopathy 2. Last evaluated: 2024-01-18. Review status: criteria provided, single submitter. Criteria: Invitae Variant Classification Sherloc (09022015). Collection method: clinical testing. Allele origin: germline.

GeneDx
Classification: Likely benign. Last evaluated: 2016-10-05. Review status: criteria provided, single submitter. Criteria: GeneDx Variant Classification (06012015). Collection method: clinical testing. Allele origin: germline. Affected: yes.
Comment: This variant is considered likely benign or benign based on one or more of the following criteria: it is a conservative change, it occurs at a poorly conserved position in the protein, it is predicted to be benign by multiple in silico algorithms, and/or has population frequency not consistent with disease.